The following is an entry in ClinVar:

NM_001378183.1(PIEZO2):c.2117T>A (p.Met706Lys)

Gene: PIEZO2 (piezo type mechanosensitive ion channel component 2; minus strand). Cytogenetic location: 18p11.22.
Variant type: single nucleotide variant.
Coding change: c.2117T>A on transcript NM_001378183.1 (MANE Select); coding-DNA position 2117, T replaced by A.
Protein change: p.Met706Lys; replaces methionine 706 with lysine.
Molecular consequence: missense variant.
Genome position (GRCh38, 1-based): chr18:10,789,131, A>T on the plus strand (T>A on the coding strand, the complement: PIEZO2 is on the minus strand). VCF-style: chr18-10789131-A-T. GRCh37 (hg19) VCF-style: chr18-10789129-A-T.
Other names: c.2117T>A, p.Met706Lys (NM_001410871.1, NM_022068.4); short protein forms M706K.
Identifiers: ClinVar variation 3341339 (VCV003341339.1).

ClinVar aggregate classification (germline): Uncertain significance (1 of 4 stars; one submission).

Conditions:
Arthrogryposis- oculomotor limitation-electroretinal anomalies syndrome. Also called: ARTHROGRYPOSIS WITH OCULOMOTOR LIMITATION AND ELECTRORETINAL ABNORMALITIES; ARTHROGRYPOSIS, DISTAL, TYPE IIB; ARTHROGRYPOSIS, DISTAL, TYPE 5. Identifiers: Orphanet 1154, MedGen C1862472, MONDO:0007158, OMIM 108145.

Submission:

Neuberg Centre For Genomic Medicine, NCGM
Classification: Uncertain significance for Arthrogryposis- oculomotor limitation-electroretinal anomalies syndrome. Last evaluated: 2023-05-20. Review status: criteria provided, single submitter. Criteria: ACMG Guidelines, 2015. Collection method: clinical testing. Allele origin: germline. Inheritance: Autosomal dominant inheritance. Affected: yes.
Comment: The observed missense c.2117T>A(p.Met706Lys) variant in PIEZO2 gene has not been reported previously as a pathogenic variant nor as a benign variant, to our knowledge. This variant is absent in gnomAD Exomes. The amino acid Met at position 706 is changed to a Lys changing protein sequence and it might alter its composition and physico-chemical properties. The amino acid change p.Met706Lys in PIEZO2 is predicted as conserved by GERP++ and PhyloP across 100 vertebrates. Multiple lines of computational evidence (SIFT - Damaging and MutationTaster - Disease causing) predict a damaging effect on protein structure and function for this variant. For these reasons, this variant has been classified as Uncertain Significance.